The following is an entry in ClinVar:

ClinVar aggregate classification (germline): Likely benign (0 of 4 stars; one submission).

Conditions:
NCOR2-related disorder. Also called: NCOR2-related condition.

Allele frequency attached by ClinVar (database versions not stated): 1000 Genomes Project 30x 0.00016; 1000 Genomes Project 0.00020; ExAC 0.00176; gnomAD 0.00185; TOPMed 0.00194; ESP Exome Variant Server 0.00234.
gnomAD v4.1: 4,552 of 1,609,076 alleles (0.28%); highest among the groups gnomAD compares: Non-Finnish European, 0.36%; 4 homozygotes.

Submission:

PreventionGenetics, part of Exact Sciences
Classification: Likely benign for NCOR2-related condition. Last evaluated: 2019-04-15. Review status: no assertion criteria provided. Collection method: clinical testing. Allele origin: germline.
Comment: This variant is classified as likely benign based on ACMG/AMP sequence variant interpretation guidelines (Richards et al. 2015 PMID: 25741868, with internal and published modifications).

NM_006312.6(NCOR2):c.4758G>A (p.Thr1586=)

Gene: NCOR2 (nuclear receptor corepressor 2; minus strand). Cytogenetic location: 12q24.31.
Variant type: single nucleotide variant.
Coding change: c.4758G>A on transcript NM_006312.6 (MANE Select); coding-DNA position 4758, G replaced by A.
Protein change: p.Thr1586=; no amino-acid change (threonine 1586 retained).
Molecular consequence: synonymous variant.
Genome position (GRCh38, 1-based): chr12:124,343,183, C>T on the plus strand (G>A on the coding strand, the complement: NCOR2 is on the minus strand). VCF-style: chr12-124343183-C-T. GRCh37 (hg19) VCF-style: chr12-124827729-C-T.
Other names: c.4728G>A, p.Thr1576= (NM_001077261.4, NM_001206654.2).
Identifiers: ClinVar variation 3052786 (VCV003052786.2), dbSNP rs61755987, ClinGen allele CA6868191.
Genomic context (GRCh38, chr12:124,343,183, plus strand): 5'-GTGTGGGTGGTGCTCGGGCACGGTGCTGTGCGGGGACTTGGCGATCTCACGAGGCGTCGA[C>T]GTCAGCTTTCGGTCCTGGGATGCCTTGCTGGACGAAAGGCTGCCTGTGGACGGGCAAGGT-3'
Protein context (NP_006303.4, residues 1576-1596): SSKASQDRKL[Thr1586=]STPREIAKSP